The following is an entry in ClinVar:

ClinVar aggregate classification (germline): Uncertain significance (1 of 4 stars; one submission).

Conditions:
Early-infantile DEE. Also called: Ohtahara syndrome; Early infantile epileptic encephalopathy with suppression bursts; Early infantile epileptic encephalopathy. Identifiers: Orphanet 1934, MedGen C0393706, MONDO:0800491.

Submission:

Labcorp Genetics (formerly Invitae), Labcorp
Classification: Uncertain significance for Early-infantile DEE. Last evaluated: 2019-03-21. Review status: criteria provided, single submitter. Criteria: Invitae Variant Classification Sherloc (09022015). Collection method: clinical testing. Allele origin: germline.
Comment: This variant has not been reported in the literature in individuals with SCN1A-related conditions. This sequence change replaces phenylalanine with leucine at codon 1682 of the SCN1A protein (p.Phe1682Leu). The phenylalanine residue is highly conserved and there is a small physicochemical difference between phenylalanine and leucine. This variant is not present in population databases (ExAC no frequency). Algorithms developed to predict the effect of missense changes on protein structure and function are either unavailable or do not agree on the potential impact of this missense change (SIFT: "Deleterious"; PolyPhen-2: "Probably Damaging"; Align-GVGD: "Class C15"). In summary, the available evidence is currently insufficient to determine the role of this variant in disease. Therefore, it has been classified as a Variant of Uncertain Significance.

NM_001165963.4(SCN1A):c.5046C>A (p.Phe1682Leu)

Genes: SCN1A (sodium voltage-gated channel alpha subunit 1; minus strand), LOC102724058 (uncharacterized LOC102724058; plus strand). Cytogenetic location: 2q24.3.
Variant type: single nucleotide variant.
Coding change: c.5046C>A on transcript NM_001165963.4 (MANE Select); coding-DNA position 5046, C replaced by A.
Protein change: p.Phe1682Leu; replaces phenylalanine 1682 with leucine.
Molecular consequence: missense variant. On other transcripts: non-coding transcript variant (1).
Genome position (GRCh38, 1-based): chr2:165,992,229, G>T on the plus strand (C>A on the coding strand, the complement: SCN1A is on the minus strand). VCF-style: chr2-165992229-G-T. GRCh37 (hg19) VCF-style: chr2-166848739-G-T.
Other names: c.4962C>A, p.Phe1654Leu (NM_001165964.3, NM_001353957.2, NM_001353958.2); c.5046C>A, p.Phe1682Leu (NM_001202435.3, NM_001353948.2); c.5013C>A, p.Phe1671Leu (NM_001353949.2, NM_001353950.2, NM_001353951.2 and 2 more transcripts); c.5010C>A, p.Phe1670Leu (NM_001353954.2, NM_001353955.2); c.4959C>A, p.Phe1653Leu (NM_001353960.2); c.2604C>A, p.Phe868Leu (NM_001353961.2); short protein forms F868L, F1670L, F1653L, F1654L, F1671L, F1682L.
Identifiers: ClinVar variation 846302 (VCV000846302.10), dbSNP rs1201126725, ClinGen allele CA349069506.